The following is an entry in ClinVar:

NM_002769.5(PRSS1):c.64G>A (p.Asp22Asn)

Genes: TRB (T cell receptor beta locus; plus strand), PRSS1 (serine protease 1; plus strand). Cytogenetic location: 7q34.
Variant type: single nucleotide variant.
Coding change: c.64G>A on transcript NM_002769.5 (MANE Select); coding-DNA position 64, G replaced by A.
Protein change: p.Asp22Asn; replaces aspartic acid 22 with asparagine.
Molecular consequence: missense variant.
Genome position (GRCh38, 1-based): chr7:142,750,578, G>A. VCF-style: chr7-142750578-G-A. GRCh37 (hg19) VCF-style: chr7-142458429-G-A.
Other names: short protein forms D22N.
Identifiers: ClinVar variation 936780 (VCV000936780.9), dbSNP rs1563258794, ClinGen allele CA369607067.

ClinVar aggregate classification (germline): Uncertain significance (1 of 4 stars; one submission).

Conditions:
Hereditary pancreatitis (PCTT). Also called: PRSS1-Related Hereditary Pancreatitis; Hereditary chronic pancreatitis. Identifiers: Orphanet 676, MedGen C0238339, MONDO:0008185, OMIM 167800.

Allele frequency attached by ClinVar (database versions not stated): gnomAD exomes below 0.00001.
gnomAD v4.1: 1 of 1,614,028 alleles (0.000062%); highest among the groups gnomAD compares: Non-Finnish European, 0.000085%; no homozygotes.

Submission:

Labcorp Genetics (formerly Invitae), Labcorp
Classification: Uncertain significance for Hereditary pancreatitis. Last evaluated: 2025-07-14. Review status: criteria provided, single submitter. Criteria: Invitae Variant Classification Sherloc (09022015). Collection method: clinical testing. Allele origin: germline.
Comment: This sequence change replaces aspartic acid, which is acidic and polar, with asparagine, which is neutral and polar, at codon 22 of the PRSS1 protein (p.Asp22Asn). This variant is not present in population databases (gnomAD no frequency). This variant has not been reported in the literature in individuals affected with PRSS1-related conditions. ClinVar contains an entry for this variant (Variation ID: 936780). Invitae Evidence Modeling of protein sequence and biophysical properties (such as structural, functional, and spatial information, amino acid conservation, physicochemical variation, residue mobility, and thermodynamic stability) indicates that this missense variant is not expected to disrupt PRSS1 protein function with a negative predictive value of 80%. In summary, the available evidence is currently insufficient to determine the role of this variant in disease. Therefore, it has been classified as a Variant of Uncertain Significance.